The following is an entry in ClinVar:

NM_017755.6(NSUN2):c.296T>G (p.Phe99Cys)

Gene: NSUN2 (NOP2/Sun RNA methyltransferase 2; minus strand). Cytogenetic location: 5p15.31.
Variant type: single nucleotide variant.
Coding change: c.296T>G on transcript NM_017755.6 (MANE Select); coding-DNA position 296, T replaced by G.
Protein change: p.Phe99Cys; replaces phenylalanine 99 with cysteine.
Molecular consequence: missense variant. On other transcripts: non-coding transcript variant (1), intron variant (1).
Genome position (GRCh38, 1-based): chr5:6,631,936, A>C on the plus strand (T>G on the coding strand, the complement: NSUN2 is on the minus strand). VCF-style: chr5-6631936-A-C. GRCh37 (hg19) VCF-style: chr5-6632049-A-C.
Other names: c.254+663T>G (NM_001193455.2); short protein forms F99C.
Identifiers: ClinVar variation 588225 (VCV000588225.5), dbSNP rs1340418092, ClinGen allele CA359129697.
Genomic context (GRCh38, chr5:6,631,936, plus strand): 5'-CTCAGTGGCTGTGGAACTTCAACTTTCTGACCGTCCACCTCCAGGTCCTCCAATTCCTTA[A>C]AATATTTGTTCTTTAAGCAATGGAGAATCTCTTTTGCGTGGCTATTGAAAAATAAGGAAG-3'
Protein context (NP_060225.4, residues 89-109): EILHCLKNKY[Phe99Cys]KELEDLEVDG

ClinVar aggregate classification (germline): Uncertain significance (1 of 4 stars; one submission).

Conditions:
Inborn genetic diseases. Identifiers: MedGen C0950123, MeSH D030342.

Allele frequency attached by ClinVar (database versions not stated): gnomAD exomes below 0.00001 and 0.00001; TOPMed below 0.00001.
gnomAD v4.1: 16 of 1,614,096 alleles (0.00099%); highest among the groups gnomAD compares: Non-Finnish European, 0.0012%; no homozygotes.

Submission:

Ambry Genetics
Classification: Uncertain significance for Inborn genetic diseases. Last evaluated: 2016-09-02. Review status: criteria provided, single submitter. Criteria: Ambry Variant Classification Scheme 2023. Collection method: clinical testing. Allele origin: germline.
Comment: The p.F99C variant (also known as c.296T>G), located in coding exon 3 of the NSUN2 gene, results from a T to G substitution at nucleotide position 296. The phenylalanine at codon 99 is replaced by cysteine, an amino acid with highly dissimilar properties. This variant was not reported in population based cohorts in the following databases: Database of Single Nucleotide Polymorphisms (dbSNP), NHLBI Exome Sequencing Project (ESP), and 1000 Genomes Project. In the ESP, this variant was not observed in 6503 samples (13006 alleles) with coverage at this position. This amino acid position is highly conserved in available vertebrate species. In addition, this alteration is predicted to be deleterious by in silico analysis. Since supporting evidence is limited at this time, the clinical significance of this variant remains unclear.